The following is an entry in ClinVar:

ClinVar aggregate classification (germline): Uncertain significance (1 of 4 stars; one submission).

Conditions:
DICER1-related tumor predisposition. Also called: DICER1-related pleuropulmonary blastoma cancer predisposition syndrome; DICER1 syndrome. Identifiers: Orphanet 284343, MedGen C3839822, MONDO:0100216.

Submission:

Labcorp Genetics (formerly Invitae), Labcorp
Classification: Uncertain significance for DICER1-related tumor predisposition. Last evaluated: 2020-11-21. Review status: criteria provided, single submitter. Criteria: Invitae Variant Classification Sherloc (09022015). Collection method: clinical testing. Allele origin: germline.
Comment: This sequence change replaces lysine with methionine at codon 1751 of the DICER1 protein (p.Lys1751Met). The lysine residue is highly conserved and there is a moderate physicochemical difference between lysine and methionine. In summary, the available evidence is currently insufficient to determine the role of this variant in disease. Therefore, it has been classified as a Variant of Uncertain Significance. Algorithms developed to predict the effect of missense changes on protein structure and function (SIFT, PolyPhen-2, Align-GVGD) all suggest that this variant is likely to be disruptive, but these predictions have not been confirmed by published functional studies and their clinical significance is uncertain. This variant has not been reported in the literature in individuals with DICER1-related conditions. This variant is not present in population databases (ExAC no frequency).

NM_177438.3(DICER1):c.5252A>T (p.Lys1751Met)

Gene: DICER1 (dicer 1, ribonuclease III; minus strand). Cytogenetic location: 14q32.13.
Variant type: single nucleotide variant.
Coding change: c.5252A>T on transcript NM_177438.3 (MANE Select); coding-DNA position 5252, A replaced by T.
Protein change: p.Lys1751Met; replaces lysine 1751 with methionine.
Molecular consequence: missense variant.
Genome position (GRCh38, 1-based): chr14:95,094,000, T>A on the plus strand (A>T on the coding strand, the complement: DICER1 is on the minus strand). VCF-style: chr14-95094000-T-A. GRCh37 (hg19) VCF-style: chr14-95560337-T-A.
Other names: c.5252A>T, p.Lys1751Met (NM_001195573.1, NM_001271282.3, NM_001291628.2 and 1 more transcripts); short protein forms K1751M.
Identifiers: ClinVar variation 1471578 (VCV001471578.9), dbSNP rs2139812498, ClinGen allele CA390865118.
Genomic context (GRCh38, chr14:95,094,000, plus strand): 5'-TCATCAATGACATGGAAGAGCTCAGGAGAGACAGCTTTGAAGTACTTGTGGTAGTCGTAC[T>A]TTACAGCCAGCGATGCAAAGATGGTGTTGTTGACCAGGGCAGACCGCAGGTCTGTCAGGA-3'
Protein context (NP_803187.1, residues 1741-1761): NNTIFASLAV[Lys1751Met]YDYHKYFKAV